The following is an entry in ClinVar:

ClinVar aggregate classification (germline): Uncertain significance. Review status: criteria provided, multiple submitters, no conflicts (2 of 4 stars). 2 submissions from 2 submitters: Uncertain significance (2). Last evaluated 2025-12-11.

Conditions:
Epileptic encephalopathy. Identifiers: MedGen C0543888, HP:0200134.

Allele frequency attached by ClinVar (database versions not stated): gnomAD exomes below 0.00001; TOPMed below 0.00001; gnomAD 0.00001.
gnomAD v4.1: 2 of 1,611,592 alleles (0.00012%); highest among the groups gnomAD compares: South Asian, 0.0011%; no homozygotes.

Submissions (2):

Ambry Genetics
Classification: Uncertain significance. Last evaluated: 2025-12-11. Review status: criteria provided, single submitter. Criteria: Ambry Variant Classification Scheme 2023. Collection method: clinical testing. Allele origin: germline.

Labcorp Genetics (formerly Invitae), Labcorp
Classification: Uncertain significance for Epileptic encephalopathy. Last evaluated: 2023-09-12. Review status: criteria provided, single submitter. Criteria: Invitae Variant Classification Sherloc (09022015). Collection method: clinical testing. Allele origin: germline.
Comment: This variant is present in population databases (no rsID available, gnomAD 0.003%). This sequence change replaces histidine, which is basic and polar, with tyrosine, which is neutral and polar, at codon 804 of the FASN protein (p.His804Tyr). This variant has not been reported in the literature in individuals affected with FASN-related conditions. In summary, the available evidence is currently insufficient to determine the role of this variant in disease. Therefore, it has been classified as a Variant of Uncertain Significance. Algorithms developed to predict the effect of missense changes on protein structure and function output the following: SIFT: "Not Available"; PolyPhen-2: "Benign"; Align-GVGD: "Not Available". The tyrosine amino acid residue is found in multiple mammalian species, which suggests that this missense change does not adversely affect protein function. ClinVar contains an entry for this variant (Variation ID: 999387).

NM_004104.5(FASN):c.2410C>T (p.His804Tyr)

Gene: FASN (fatty acid synthase; minus strand). Cytogenetic location: 17q25.3.
Variant type: single nucleotide variant.
Coding change: c.2410C>T on transcript NM_004104.5 (MANE Select); coding-DNA position 2410, C replaced by T.
Protein change: p.His804Tyr; replaces histidine 804 with tyrosine.
Molecular consequence: missense variant.
Genome position (GRCh38, 1-based): chr17:82,088,771, G>A on the plus strand (C>T on the coding strand, the complement: FASN is on the minus strand). VCF-style: chr17-82088771-G-A. GRCh37 (hg19) VCF-style: chr17-80046647-G-A.
Other names: c.2410C>T (NM_004104.4); short protein forms H804Y.
Identifiers: ClinVar variation 999387 (VCV000999387.9), dbSNP rs1429609578, ClinGen allele CA401557801.